The following is an entry in ClinVar:

NM_032271.3(TRAF7):c.81+5_81+13del

Gene: TRAF7 (TNF receptor associated factor 7; plus strand). Cytogenetic location: 16p13.3.
Variant type: Deletion.
Coding change: c.81+5_81+13del on transcript NM_032271.3 (MANE Select); bases 5 to 13 of the intron after coding-DNA position 81, 9 bases deleted (GGGTGTGCC; older notation c.81+5_81+13delGGGTGTGCC).
Molecular consequence: intron variant.
Genome position (GRCh38, 1-based): chr16:2,164,006-2,164,014, GGGTGTGCC deleted. VCF-style (leftmost placement, unchanged base first): chr16-2164005-AGGGTGTGCC-A. GRCh37 (hg19) VCF-style: chr16-2214006-AGGGTGTGCC-A.
Other names: c.81+5_81+13del9 (NM_032271.2).
Identifiers: ClinVar variation 736474 (VCV000736474.6), dbSNP rs754138097, ClinGen allele CA7834348.

ClinVar aggregate classification (germline): Benign/Likely benign. Review status: criteria provided, multiple submitters, no conflicts (2 of 4 stars). 3 submissions from 3 submitters: Benign (1); Likely benign (1). 1 of the submissions does not count toward it. Last evaluated 2024-11-21.

Conditions:
TRAF7-related disorder. Also called: TRAF7-related condition.

Allele frequency attached by ClinVar (database versions not stated): gnomAD exomes 0.00071 and 0.00076; ExAC 0.00087; gnomAD 0.00156 and 0.00166.

Submissions (3):

Blueprint Genetics
Classification: Likely benign. Last evaluated: 2024-11-21. Review status: criteria provided, single submitter. Criteria: ACMG Guidelines, 2015. Collection method: clinical testing. Allele origin: germline.

Labcorp Genetics (formerly Invitae), Labcorp
Classification: Benign. Last evaluated: 2018-07-31. Review status: criteria provided, single submitter. Criteria: Invitae Variant Classification Sherloc (09022015). Collection method: clinical testing. Allele origin: germline.

PreventionGenetics, part of Exact Sciences
Classification: Likely benign for TRAF7-related condition. Last evaluated: 2019-12-10. Review status: no assertion criteria provided. Collection method: clinical testing. Allele origin: germline. Not counted in ClinVar's aggregate classification.
Comment: This variant is classified as likely benign based on ACMG/AMP sequence variant interpretation guidelines (Richards et al. 2015 PMID: 25741868, with internal and published modifications).